The following is an entry in ClinVar:

ClinVar aggregate classification (germline): Likely benign (0 of 4 stars; one submission).

Conditions:
BCO1-related disorder. Also called: BCO1-related condition.

gnomAD v4.1: 2,233 of 1,614,186 alleles (0.14%); highest among the groups gnomAD compares: Non-Finnish European, 0.18%; 1 homozygote.

Submission:

PreventionGenetics, part of Exact Sciences
Classification: Likely benign for BCO1-related condition. Last evaluated: 2024-08-26. Review status: no assertion criteria provided. Collection method: clinical testing. Allele origin: germline.
Comment: This variant is classified as likely benign based on ACMG/AMP sequence variant interpretation guidelines (Richards et al. 2015 PMID: 25741868, with internal and published modifications).

NM_017429.3(BCO1):c.971T>C (p.Ile324Thr)

Gene: BCO1 (beta-carotene oxygenase 1; plus strand). Cytogenetic location: 16q23.2.
Variant type: single nucleotide variant.
Coding change: c.971T>C on transcript NM_017429.3 (MANE Select); coding-DNA position 971, T replaced by C.
Protein change: p.Ile324Thr; replaces isoleucine 324 with threonine.
Molecular consequence: missense variant.
Genome position (GRCh38, 1-based): chr16:81,270,286, T>C. VCF-style: chr16-81270286-T-C. GRCh37 (hg19) VCF-style: chr16-81303891-T-C.
Other names: short protein forms I324T.
Identifiers: ClinVar variation 3351132 (VCV003351132.1).